The following is an entry in ClinVar:

ClinVar aggregate classification (germline): Conflicting classifications of pathogenicity. Review status: criteria provided, conflicting classifications (1 of 4 stars). 2 submissions from 2 submitters: Uncertain significance (1); Likely benign (1). Last evaluated 2022-06-08.

Conditions:
Landau-Kleffner syndrome (FESD). Also called: EPILEPSY, FOCAL, WITH SPEECH DISORDER AND WITH OR WITHOUT MENTAL RETARDATION; APHASIA, ACQUIRED, WITH EPILEPSY. Identifiers: Orphanet 1945, Orphanet 725, Orphanet 98818, MedGen C0282512, MONDO:0009509, OMIM 245570.

Allele frequency attached by ClinVar (database versions not stated): gnomAD 0.00001; TOPMed 0.00001.
gnomAD v4.1: 2 of 1,613,516 alleles (0.00012%); highest among the groups gnomAD compares: Non-Finnish European, 0.00017%; no homozygotes.

Submissions (2):

Institute of Human Genetics, University of Leipzig Medical Center
Classification: Uncertain significance for Landau-Kleffner syndrome. Last evaluated: 2022-06-08. Review status: criteria provided, single submitter. Criteria: ACMG Guidelines, 2015. Collection method: clinical testing. Allele origin: unknown. Affected: yes.
Comment: _x000D_ Criteria applied: PM1_SUP, PM2_SUP, BP4

Labcorp Genetics (formerly Invitae), Labcorp
Classification: Likely benign for Landau-Kleffner syndrome. Last evaluated: 2022-04-18. Review status: criteria provided, single submitter. Criteria: Invitae Variant Classification Sherloc (09022015). Collection method: clinical testing. Allele origin: germline.

NM_001134407.3(GRIN2A):c.1343A>G (p.Glu448Gly)

Gene: GRIN2A (glutamate ionotropic receptor NMDA type subunit 2A; minus strand). Cytogenetic location: 16p13.2.
Variant type: single nucleotide variant.
Coding change: c.1343A>G on transcript NM_001134407.3 (MANE Select); coding-DNA position 1343, A replaced by G.
Protein change: p.Glu448Gly; replaces glutamic acid 448 with glycine.
Molecular consequence: missense variant.
Genome position (GRCh38, 1-based): chr16:9,841,090, T>C on the plus strand (A>G on the coding strand, the complement: GRIN2A is on the minus strand). VCF-style: chr16-9841090-T-C. GRCh37 (hg19) VCF-style: chr16-9934947-T-C.
Other names: c.1343A>G, p.Glu448Gly (NM_000833.5, NM_001134408.2); short protein forms E448G.
Identifiers: ClinVar variation 1697320 (VCV001697320.6), dbSNP rs1273711716, ClinGen allele CA394800870.